The following is an entry in ClinVar:

ClinVar aggregate classification (germline): Uncertain significance. Review status: criteria provided, multiple submitters, no conflicts (2 of 4 stars). 2 submissions from 2 submitters: Uncertain significance (2). Last evaluated 2022-06-16.

Allele frequency attached by ClinVar (database versions not stated): ExAC 0.00001; gnomAD exomes 0.00001; TOPMed 0.00001.
gnomAD v4.1: 16 of 1,613,720 alleles (0.00099%); highest among the groups gnomAD compares: Non-Finnish European, 0.0014%; no homozygotes.

Submissions (2):

Labcorp Genetics (formerly Invitae), Labcorp
Classification: Uncertain significance. Last evaluated: 2022-06-16. Review status: criteria provided, single submitter. Criteria: Invitae Variant Classification Sherloc (09022015). Collection method: clinical testing. Allele origin: germline.
Comment: Algorithms developed to predict the effect of missense changes on protein structure and function (SIFT, PolyPhen-2, Align-GVGD) all suggest that this variant is likely to be disruptive. In summary, the available evidence is currently insufficient to determine the role of this variant in disease. Therefore, it has been classified as a Variant of Uncertain Significance. This sequence change replaces glycine, which is neutral and non-polar, with arginine, which is basic and polar, at codon 88 of the IMPG2 protein (p.Gly88Arg). This variant is present in population databases (rs765127726, gnomAD 0.0009%). This variant has not been reported in the literature in individuals affected with IMPG2-related conditions.

Blueprint Genetics
Classification: Uncertain significance. Last evaluated: 2020-07-15. Review status: criteria provided, single submitter. Criteria: ACMG Guidelines, 2015. Collection method: clinical testing. Allele origin: germline.

NM_016247.4(IMPG2):c.262G>A (p.Gly88Arg)

Gene: IMPG2 (interphotoreceptor matrix proteoglycan 2; minus strand). Cytogenetic location: 3q12.3.
Variant type: single nucleotide variant.
Coding change: c.262G>A on transcript NM_016247.4 (MANE Select); coding-DNA position 262, G replaced by A.
Protein change: p.Gly88Arg; replaces glycine 88 with arginine.
Molecular consequence: missense variant.
Genome position (GRCh38, 1-based): chr3:101,319,656, C>T on the plus strand (G>A on the coding strand, the complement: IMPG2 is on the minus strand). VCF-style: chr3-101319656-C-T. GRCh37 (hg19) VCF-style: chr3-101038500-C-T.
Other names: short protein forms G88R.
Identifiers: ClinVar variation 2007371 (VCV002007371.5), dbSNP rs765127726, ClinGen allele CA2519527.